The following is an entry in ClinVar:

NM_014361.4(CNTN5):c.474T>G (p.Ile158Met)

Gene: CNTN5 (contactin 5; plus strand). Cytogenetic location: 11q22.1.
Variant type: single nucleotide variant.
Coding change: c.474T>G on transcript NM_014361.4 (MANE Select); coding-DNA position 474, T replaced by G.
Protein change: p.Ile158Met; replaces isoleucine 158 with methionine.
Molecular consequence: missense variant.
Genome position (GRCh38, 1-based): chr11:99,845,159, T>G. VCF-style: chr11-99845159-T-G. GRCh37 (hg19) VCF-style: chr11-99715891-T-G.
Other names: c.474T>G, p.Ile158Met (NM_001243270.2, NM_001243271.2); c.252T>G, p.Ile84Met (NM_175566.2); short protein forms I158M, I84M.
Identifiers: ClinVar variation 720168 (VCV000720168.7), dbSNP rs61749255, ClinGen allele CA6242094.

ClinVar aggregate classification (germline): Benign. Review status: criteria provided, multiple submitters, no conflicts (2 of 4 stars). 3 submissions from 3 submitters: Benign (2). 1 of the submissions does not count toward it. Last evaluated 2019-12-31.

Conditions:
CNTN5-related disorder. Also called: CNTN5-related condition.

Allele frequency attached by ClinVar (database versions not stated): 1000 Genomes Project 0.00140; 1000 Genomes Project 30x 0.00141; TOPMed 0.00490; gnomAD 0.00514 and 0.00537; ESP Exome Variant Server 0.00537; gnomAD exomes 0.00539 and 0.00792; ExAC 0.00564.
gnomAD v4.1: 12,398 of 1,613,768 alleles (0.77%); highest among the groups gnomAD compares: Non-Finnish European, 0.94%; 91 homozygotes.

Submissions (3):

Labcorp Genetics (formerly Invitae), Labcorp
Classification: Benign. Last evaluated: 2019-12-31. Review status: criteria provided, single submitter. Criteria: Invitae Variant Classification Sherloc (09022015). Collection method: clinical testing. Allele origin: germline.

Breakthrough Genomics
Classification: Benign. Review status: criteria provided, single submitter. Criteria: ACMG Guidelines, 2015. Collection method: not provided. Allele origin: germline. Inheritance: Unknown mechanism. Affected: yes.

PreventionGenetics, part of Exact Sciences
Classification: Benign for CNTN5-related condition. Last evaluated: 2019-06-19. Review status: no assertion criteria provided. Collection method: clinical testing. Allele origin: germline. Not counted in ClinVar's aggregate classification.
Comment: This variant is classified as benign based on ACMG/AMP sequence variant interpretation guidelines (Richards et al. 2015 PMID: 25741868, with internal and published modifications).